The following is an entry in ClinVar:

ClinVar aggregate classification (germline): Benign. Review status: criteria provided, multiple submitters, no conflicts (2 of 4 stars). 2 submissions from 2 submitters: Benign (2). Last evaluated 2025-07-06.

Conditions:
Metaphyseal chondrodysplasia, Schmid type (MCDS). Also called: SPONDYLOMETAPHYSEAL DYSPLASIA, JAPANESE TYPE. Identifiers: Orphanet 174, MedGen C0265289, MONDO:0007983, OMIM 156500.

Allele frequency attached by ClinVar (database versions not stated): gnomAD 0.00022 and 0.00030; gnomAD exomes 0.00024; TOPMed 0.00042; ExAC 0.00064; 1000 Genomes Project 30x 0.00094; 1000 Genomes Project 0.00100.
gnomAD v4.1: 390 of 1,613,952 alleles (0.024%); highest among the groups gnomAD compares: East Asian, 0.83%; 5 homozygotes.

Submissions (2):

Labcorp Genetics (formerly Invitae), Labcorp
Classification: Benign. Last evaluated: 2025-07-06. Review status: criteria provided, single submitter. Criteria: Invitae Variant Classification Sherloc (09022015). Collection method: clinical testing. Allele origin: germline.

Illumina Laboratory Services, Illumina
Classification: Benign for Metaphyseal chondrodysplasia, Schmid type. Last evaluated: 2018-01-13. Review status: criteria provided, single submitter. Criteria: ICSL Variant Classification Criteria 13 December 2019. Collection method: clinical testing. Allele origin: germline.
Comment: This variant was observed in the ICSL laboratory as part of a predisposition screen in an ostensibly healthy population. It had not been previously curated by ICSL or reported in the Human Gene Mutation Database (HGMD: prior to June 1st, 2018), and was therefore a candidate for classification through an automated scoring system. Utilizing variant allele frequency, disease prevalence and penetrance estimates, and inheritance mode, an automated score was calculated to assess if this variant is too frequent to cause the disease. Based on the score and internal cut-off values, a variant classified as benign is not then subjected to further curation. The score for this variant resulted in a classification of benign for this disease.

NM_000493.4(COL10A1):c.1181C>G (p.Pro394Arg)

Genes: COL10A1 (collagen type X alpha 1 chain; minus strand), NT5DC1 (5'-nucleotidase domain containing 1; plus strand). Cytogenetic location: 6q22.1.
Variant type: single nucleotide variant.
Coding change: c.1181C>G on transcript NM_000493.4 (MANE Select); coding-DNA position 1181, C replaced by G.
Protein change: p.Pro394Arg; replaces proline 394 with arginine.
Molecular consequence: missense variant. On other transcripts: intron variant (1).
Genome position (GRCh38, 1-based): chr6:116,120,935, G>C on the plus strand (C>G on the coding strand, the complement: COL10A1 is on the minus strand). VCF-style: chr6-116120935-G-C. GRCh37 (hg19) VCF-style: chr6-116442098-G-C.
Other names: c.1181C>G, p.Pro394Arg (NM_001424106.1, NM_001424107.1); c.529+2990G>C (NM_152729.3); short protein forms P394R.
Identifiers: ClinVar variation 355097 (VCV000355097.15), dbSNP rs201458750, ClinGen allele CA3968237.